The following is an entry in ClinVar:

ClinVar aggregate classification (germline): Uncertain significance. Review status: criteria provided, multiple submitters, no conflicts (2 of 4 stars). 2 submissions from 2 submitters: Uncertain significance (2). Last evaluated 2022-04-03.

Conditions:
Hypertrophic cardiomyopathy. Also called: HYPERTROPHIC MYOCARDIOPATHY. Identifiers: Orphanet 217569, MedGen C0007194, MeSH D002312, MONDO:0005045, HP:0001639.

Submissions (2):

Labcorp Genetics (formerly Invitae), Labcorp
Classification: Uncertain significance for Hypertrophic cardiomyopathy. Last evaluated: 2022-04-03. Review status: criteria provided, single submitter. Criteria: Invitae Variant Classification Sherloc (09022015). Collection method: clinical testing. Allele origin: germline.
Comment: Algorithms developed to predict the effect of sequence changes on RNA splicing suggest that this variant may create or strengthen a splice site. In summary, the available evidence is currently insufficient to determine the role of this variant in disease. Therefore, it has been classified as a Variant of Uncertain Significance. Algorithms developed to predict the effect of missense changes on protein structure and function (SIFT, PolyPhen-2, Align-GVGD) all suggest that this variant is likely to be tolerated. ClinVar contains an entry for this variant (Variation ID: 181122). This missense change has been observed in individual(s) with hypertrophic cardiomyopathy (PMID: 29121657). This variant is not present in population databases (gnomAD no frequency). This sequence change replaces glycine, which is neutral and non-polar, with serine, which is neutral and polar, at codon 557 of the MYBPC3 protein (p.Gly557Ser).

GeneDx
Classification: Uncertain significance. Last evaluated: 2019-09-13. Review status: criteria provided, single submitter. Criteria: GeneDx Variant Classification Process June 2021. Collection method: clinical testing. Allele origin: germline. Affected: yes.
Comment: Not observed in large population cohorts (Lek et al., 2016); In-silico analysis, which includes splice predictors and evolutionary conservation, is inconclusive as to whether the variant alters gene splicing. In the absence of RNA/functional studies, the actual effect of this sequence change is unknown.; This variant is associated with the following publications: (PMID: 29121657)

Literature cited by the submitters: PubMed 29121657 (cited by Labcorp Genetics (formerly Invitae), Labcorp).

NM_000256.3(MYBPC3):c.1669G>A (p.Gly557Ser)

Gene: MYBPC3 (myosin binding protein C3; minus strand). Cytogenetic location: 11p11.2.
Variant type: single nucleotide variant.
Coding change: c.1669G>A on transcript NM_000256.3 (MANE Select); coding-DNA position 1669, G replaced by A.
Protein change: p.Gly557Ser; replaces glycine 557 with serine.
Molecular consequence: missense variant.
Genome position (GRCh38, 1-based): chr11:47,342,112, C>T on the plus strand (G>A on the coding strand, the complement: MYBPC3 is on the minus strand). VCF-style: chr11-47342112-C-T. GRCh37 (hg19) VCF-style: chr11-47363663-C-T.
Other names: p.G557S:GGC>AGC; c.1669G>A, p.Gly557Ser (LRG_386t1); short protein forms G557S.
Identifiers: ClinVar variation 181122 (VCV000181122.7), dbSNP rs730880693, ClinGen allele CA010880.